The following is an entry in ClinVar:

ClinVar aggregate classification (germline): Pathogenic. Review status: criteria provided, multiple submitters, no conflicts (2 of 4 stars). 19 submissions from 19 submitters: Pathogenic (18). 1 of the submissions does not count toward it. Last evaluated 2026-06-05.

Conditions:
PKP2-related disorder. Also called: PKP2-related condition.
Cardiovascular phenotype. Identifiers: MedGen CN230736.
Familial isolated arrhythmogenic right ventricular dysplasia. Identifiers: Orphanet 217656, MedGen C4274968, MONDO:0016342.
Arrhythmogenic right ventricular cardiomyopathy (ARVD). Also called: Arrhythmogenic right ventricular dysplasia; Cardiomyopathy, ARVC; Arrhythmogenic cardiomyopathy; Arrhythmogenic Right Ventricular Cardiomyopathy (ARVC). Identifiers: Orphanet 247, MedGen C0349788, MeSH D019571, MONDO:0016587. Disease mechanism: loss of function. Inheritance: Various modes of inheritance.
Cardiomyopathy (CMYO). Also called: Cardiomyopathies. Identifiers: Orphanet 167848, MedGen C0878544, MONDO:0004994, HP:0001638. Inheritance: Various modes of inheritance.
Arrhythmogenic right ventricular dysplasia 9 (ARVD9). Also called: Arrhythmogenic Right Ventricular Dysplasia/Cardiomyopathy 9; ARRHYTHMOGENIC RIGHT VENTRICULAR DYSPLASIA, FAMILIAL, 9. Identifiers: MedGen C1836906, MONDO:0012180, OMIM 609040.

Allele frequency attached by ClinVar (database versions not stated): gnomAD exomes 0.00001; ExAC 0.00002; TOPMed 0.00003; gnomAD 0.00005; ESP Exome Variant Server 0.00008.
gnomAD v4.1: 24 of 1,613,952 alleles (0.0015%); highest among the groups gnomAD compares: African/African-American, 0.0067%; no homozygotes.

Submissions 1 to 8 of 19:

PreventionGenetics, part of Exact Sciences
Classification: Pathogenic for PKP2-related condition. Last evaluated: 2026-06-05. Review status: criteria provided, single submitter. Criteria: ACMG Guidelines, 2015. Collection method: clinical testing. Allele origin: germline.
Comment: The PKP2 c.1237C>T variant is predicted to result in premature protein termination (p.Arg413*). This variant has been reported in multiple individuals with arrhythmogenic right ventricular cardiomyopathy (see for example: Syrris et al. 2006. PubMed ID: 16415378; Philips et al. 2014. PubMed ID: 24585727; Table S1A - Walsh et al. 2017. PubMed ID: 27532257) and an individual with sudden unexplained death (Campuzano et al. 2014. PubMed ID: 25447171). This variant has also been reported in multiple unaffected individuals (Natarajan et al. 2016. PubMed ID: 27831900; Haggerty et al. 2018. PubMed ID: 29997227). This variant is interpreted as pathogenic in ClinVar (Variation ID: 45016). This variant is reported in 0.0040% of alleles in individuals of African descent in gnomAD. Nonsense variants in PKP2 are expected to be pathogenic. This variant is interpreted as pathogenic.

Clinical Genomics Laboratory, Washington University in St. Louis
Classification: Pathogenic for Arrhythmogenic right ventricular dysplasia 9. Last evaluated: 2026-05-02. Review status: criteria provided, single submitter. Criteria: ACMG Guidelines, 2015. Collection method: clinical testing. Allele origin: germline. Affected: yes.
Comment: The PKP2 c.1237C>T (p.Arg413*) variant has been reported in multiple individuals affected with ARVC and is reported to segregate with disease in several families (Alcalde M eta l., PMID: 24967631; Baskin B et al., PMID: 23812740; Campuzano O et al., PMID: 25447171; den Haan AD et al., PMID: 20031617; Fressart V et al., PMID: 20400443; Philips B et al., PMID: 24585727; Quarta G et al., PMID: 21606390; Tan BY et al., PMID: 20857253; Walsh R et al., PMID: 27532257). This variant causes a premature termination codon, which is predicted to lead to nonsense mediated decay. This variant is only observed in 4/282,766 alleles in the general population (gnomAD v2.1.1), indicating it is not a common variant. Functional studies utilizing a mouse model overexpressing the p.Arg413* variant recapitulated the morphological and electrophysiological phenotype observed in human studies, indicating that this variant impacts protein function (Unsoeld B et al. Circulation. 2009;120:S618). This variant has been reported in the ClinVar database as a germline pathogenic variant by thirteen submitters. Based on available information and the ACMG/AMP guidelines for variant interpretation (Richards S et al., PMID: 25741868), this variant is classified as pathogenic.

Labcorp Genetics (formerly Invitae), Labcorp
Classification: Pathogenic for Arrhythmogenic right ventricular dysplasia 9. Last evaluated: 2026-01-09. Review status: criteria provided, single submitter. Criteria: Invitae Variant Classification Sherloc (09022015). Collection method: clinical testing. Allele origin: germline.
Comment: This sequence change creates a premature translational stop signal (p.Arg413*) in the PKP2 gene. It is expected to result in an absent or disrupted protein product. Loss-of-function variants in PKP2 are known to be pathogenic (PMID: 15489853, 17041889, 23911551). This variant is present in population databases (rs372827156, gnomAD 0.004%). This premature translational stop signal has been observed in individuals with arrhythmogenic right ventricular cardiomyopathy (PMID: 20400443, 20857253, 21606390, 24967631). It has also been observed to segregate with disease in related individuals. ClinVar contains an entry for this variant (Variation ID: 45016). For these reasons, this variant has been classified as Pathogenic.

CeGaT Center for Human Genetics Tuebingen
Classification: Pathogenic. Last evaluated: 2025-10-01. Review status: criteria provided, single submitter. Criteria: CeGaT Center For Human Genetics Tuebingen Variant Classification Criteria Version 2. Collection method: clinical testing. Allele origin: germline. Affected: yes. Observed: 5 variant alleles.
Comment: PKP2: PVS1, PS4, PM2:Supporting

All of Us Research Program, National Institutes of Health
Classification: Pathogenic for Arrhythmogenic right ventricular cardiomyopathy. Last evaluated: 2024-09-16. Review status: criteria provided, single submitter. Criteria: ACMG Guidelines, 2015. Collection method: clinical testing. Allele origin: germline. Inheritance: Autosomal dominant inheritance. Observed: 7 variant alleles, 7 heterozygotes.
Comment: This variant changes 1 nucleotide in exon 5 of the PKP2 gene, creating a premature translation stop signal. This variant is expected to result in an absent or non-functional protein product. This variant has been reported in over ten individuals affected with arrhythmogenic right ventricular cardiomyopathy (PMID: 20400443, 20857253, 21606390, 31319917, 32659924, 34191271). This variant has been shown to segregate with disease in eleven individuals from two families with arrhythmogenic cardiomyopathy (PMID:24967631, 31156706) and has also been observed in an unaffected adult family member who showed cardiac abnormalities (PMID: 31156706). This variant has also been reported in an asymptomatic individual with a family history of sudden cardiac death (PMID: 29997227). This variant has been identified in 4/282766 chromosomes in the general population by the Genome Aggregation Database (gnomAD). Loss of PKP2 function is a known mechanism of disease. Based on the available evidence, this variant is classified as Pathogenic.

This study involves interpretation of variants in research participants for the purpose of population health screening. Participant phenotype was not available at the time of variant classification. Additional details can be found in publication PMID: 35346344, PMCID: PMC8962531

Blueprint Genetics
Classification: Pathogenic for PKP2-related disorders. Last evaluated: 2024-07-23. Review status: criteria provided, single submitter. Criteria: ACMG Guidelines, 2015. Collection method: clinical testing. Allele origin: germline. Affected: yes. Observed: 5 variant alleles.

Color Diagnostics, LLC DBA Color Health
Classification: Pathogenic for Cardiomyopathy. Last evaluated: 2024-05-30. Review status: criteria provided, single submitter. Criteria: ACMG Guidelines, 2015. Collection method: clinical testing. Allele origin: germline.
Comment: This variant changes 1 nucleotide in exon 5 of the PKP2 gene, creating a premature translation stop signal. This variant is expected to result in an absent or non-functional protein product. This variant has been reported in over ten individuals affected with arrhythmogenic right ventricular cardiomyopathy (PMID: 20400443, 20857253, 21606390, 31319917, 32659924, 34191271). This variant has been shown to segregate with disease in eleven individuals from two families with arrhythmogenic cardiomyopathy (PMID:24967631, 31156706) and has also been observed in an unaffected adult family member who showed cardiac abnormalities (PMID: 31156706). This variant has also been reported in an asymptomatic individual with a family history of sudden cardiac death (PMID: 29997227). This variant has been identified in 4/282766 chromosomes in the general population by the Genome Aggregation Database (gnomAD). Loss of PKP2 function is a known mechanism of disease. Based on the available evidence, this variant is classified as Pathogenic.

Dasa
Classification: Pathogenic. Last evaluated: 2024-05-13. Review status: criteria provided, single submitter. Criteria: DASA Assertion Criteria. Collection method: clinical testing. Allele origin: germline.
Comment: NM_001005242.3(PKP2):c.1237C>T (p.Arg413*) introduces a premature termination codon predicted to result in loss of normal protein function. Loss-of-function is an established mechanism of disease for this gene. This variant has been recurrently observed in individuals with related phenotype (PMID: 20400443; PMID: 20857253; PMID: 21606390; PMID: 24967631). Segregation evidence has been reported in affected families. The variant is present at low frequency in population datasets. Based on the available data, this variant is classified as pathogenic.

NM_001005242.3(PKP2):c.1237C>T (p.Arg413Ter)

Gene: PKP2 (plakophilin 2; minus strand). Cytogenetic location: 12p11.21.
Variant type: single nucleotide variant.
Coding change: c.1237C>T on transcript NM_001005242.3 (MANE Select); coding-DNA position 1237, C replaced by T.
Protein change: p.Arg413Ter; replaces arginine 413 with a stop codon.
Molecular consequence: nonsense.
Genome position (GRCh38, 1-based): chr12:32,850,907, G>A on the plus strand (C>T on the coding strand, the complement: PKP2 is on the minus strand). VCF-style: chr12-32850907-G-A. GRCh37 (hg19) VCF-style: chr12-33003841-G-A.
Other names: p.R413*:CGA>TGA; c.1237C>T, p.Arg413Ter (NM_004572.4); short protein forms R413*.
Identifiers: ClinVar variation 45016 (VCV000045016.81), dbSNP rs372827156, ClinGen allele CA010558.